The following is an entry in ClinVar:

ClinVar aggregate classification (germline): Uncertain significance. Review status: criteria provided, multiple submitters, no conflicts (2 of 4 stars). 5 submissions from 5 submitters: Uncertain significance (5). Last evaluated 2026-05-17.

Conditions:
Catecholaminergic polymorphic ventricular tachycardia (CVPT). Also called: Catecholamine-induced polymorphic ventricular tachycardia. Identifiers: Orphanet 3286, MedGen C5574922, MONDO:0017990.
Catecholaminergic polymorphic ventricular tachycardia 1. Also called: RYR2-Related Catecholaminergic Polymorphic Ventricular Tachycardia; VENTRICULAR TACHYCARDIA, STRESS-INDUCED POLYMORPHIC 1; VENTRICULAR TACHYCARDIA, CATECHOLAMINERGIC POLYMORPHIC, 1, WITH OR WITHOUT ATRIAL DYSFUNCTION AND/OR DILATED CARDIOMYOPATHY. Identifiers: Orphanet 3286, MedGen C1631597, MONDO:0011484, OMIM 604772.
Arrhythmogenic right ventricular dysplasia 2. Identifiers: MedGen C1832931.
Ventricular arrhythmias due to cardiac ryanodine receptor calcium release deficiency syndrome. Also called: Autosomal dominant cardiac arrhythmia (Kuhn). Identifiers: MedGen C5542154, MONDO:0020745, OMIM 115000.
RYR2-related disorder. Also called: RYR2-related condition.
Cardiomyopathy (CMYO). Also called: Cardiomyopathies. Identifiers: Orphanet 167848, MedGen C0878544, MONDO:0004994, HP:0001638. Inheritance: Various modes of inheritance.

Allele frequency attached by ClinVar (database versions not stated): gnomAD exomes below 0.00001; gnomAD 0.00001; TOPMed 0.00001.
gnomAD v4.1: 3 of 1,605,990 alleles (0.00019%); highest among the groups gnomAD compares: Non-Finnish European, 0.00026%; no homozygotes.

Submissions (5):

PreventionGenetics, part of Exact Sciences
Classification: Uncertain significance for RYR2-related condition. Last evaluated: 2026-05-17. Review status: criteria provided, single submitter. Criteria: ACMG Guidelines, 2015. Collection method: clinical testing. Allele origin: germline.
Comment: The RYR2 c.13061T>G variant is predicted to result in the amino acid substitution p.Leu4354Arg. To our knowledge, this variant has not been reported in the literature in individuals with RYR2-related disorders or in a large population database (gnomAD), indicating this variant is rare. At this time, the clinical significance of this variant is uncertain due to the absence of conclusive functional and genetic evidence.

All of Us Research Program, National Institutes of Health
Classification: Uncertain significance for Catecholaminergic polymorphic ventricular tachycardia. Last evaluated: 2024-04-16. Review status: criteria provided, single submitter. Criteria: ACMG Guidelines, 2015. Collection method: clinical testing. Allele origin: germline. Inheritance: Autosomal dominant inheritance. Observed: 2 variant alleles, 2 heterozygotes.
Comment: This missense variant replaces leucine with arginine at codon 4354 of the RYR2 protein. Computational prediction tools and conservation analyses are inconclusive regarding the impact of this variant on the protein function. Computational splicing tools suggest that this variant may not impact RNA splicing. To our knowledge, functional assays have not been performed for this variant nor has this variant been reported in individuals affected with cardiovascular disorders in the literature. This variant has not been identified in the general population by the Genome Aggregation Database (gnomAD). Available evidence is insufficient to determine the role of this variant in disease conclusively. Therefore, this variant is classified as a Variant of Uncertain Significance.

This study involves interpretation of variants in research participants for the purpose of population health screening. Participant phenotype was not available at the time of variant classification. Additional details can be found in publication PMID: 35346344, PMCID: PMC8962531

Color Diagnostics, LLC DBA Color Health
Classification: Uncertain significance for Cardiomyopathy. Last evaluated: 2024-04-05. Review status: criteria provided, single submitter. Criteria: ACMG Guidelines, 2015. Collection method: clinical testing. Allele origin: germline.
Comment: This missense variant replaces leucine with arginine at codon 4354 of the RYR2 protein. Computational prediction suggests that this variant may not impact protein structure and function (internally defined REVEL score threshold <= 0.5, PMID: 27666373). To our knowledge, functional studies have not been reported for this variant. This variant has not been reported in individuals affected with RYR2-related disorders in the literature. This variant has not been identified in the general population by the Genome Aggregation Database (gnomAD). The available evidence is insufficient to determine the role of this variant in disease conclusively. Therefore, this variant is classified as a Variant of Uncertain Significance.

Labcorp Genetics (formerly Invitae), Labcorp
Classification: Uncertain significance for Catecholaminergic polymorphic ventricular tachycardia 1. Last evaluated: 2024-03-03. Review status: criteria provided, single submitter. Criteria: Invitae Variant Classification Sherloc (09022015). Collection method: clinical testing. Allele origin: germline.
Comment: This sequence change replaces leucine, which is neutral and non-polar, with arginine, which is basic and polar, at codon 4354 of the RYR2 protein (p.Leu4354Arg). This variant is not present in population databases (gnomAD no frequency). This variant has not been reported in the literature in individuals affected with RYR2-related conditions. ClinVar contains an entry for this variant (Variation ID: 925367). Advanced modeling of protein sequence and biophysical properties (such as structural, functional, and spatial information, amino acid conservation, physicochemical variation, residue mobility, and thermodynamic stability) performed at Invitae indicates that this missense variant is not expected to disrupt RYR2 protein function with a negative predictive value of 95%. In summary, the available evidence is currently insufficient to determine the role of this variant in disease. Therefore, it has been classified as a Variant of Uncertain Significance.

Fulgent Genetics
Classification: Uncertain significance for Ventricular arrhythmias due to cardiac ryanodine receptor calcium release deficiency syndrome; Catecholaminergic polymorphic ventricular tachycardia 1. Last evaluated: 2021-08-10. Review status: criteria provided, single submitter. Criteria: ACMG Guidelines, 2015. Collection method: clinical testing. Allele origin: unknown.

NM_001035.3(RYR2):c.13061T>G (p.Leu4354Arg)

Genes: RYR2 (ryanodine receptor 2; plus strand), LOC126806068 (BRD4-independent group 4 enhancer GRCh37_chr1:237947411-237948610; plus strand). Cytogenetic location: 1q43.
Variant type: single nucleotide variant.
Coding change: c.13061T>G on transcript NM_001035.3 (MANE Select); coding-DNA position 13061, T replaced by G.
Protein change: p.Leu4354Arg; replaces leucine 4354 with arginine.
Molecular consequence: missense variant.
Genome position (GRCh38, 1-based): chr1:237,784,773, T>G. VCF-style: chr1-237784773-T-G. GRCh37 (hg19) VCF-style: chr1-237948073-T-G.
Other names: c.13061T>G (NM_001035.2); short protein forms L4354R.
Identifiers: ClinVar variation 925367 (VCV000925367.10), dbSNP rs1361307283, ClinGen allele CA345415160.